The following is an entry in ClinVar:

NM_001845.6(COL4A1):c.3311G>A (p.Ser1104Asn)

Gene: COL4A1 (collagen type IV alpha 1 chain; minus strand). Cytogenetic location: 13q34.
Variant type: single nucleotide variant.
Coding change: c.3311G>A on transcript NM_001845.6 (MANE Select); coding-DNA position 3311, G replaced by A.
Protein change: p.Ser1104Asn; replaces serine 1104 with asparagine.
Molecular consequence: missense variant.
Genome position (GRCh38, 1-based): chr13:110,174,637, C>T on the plus strand (G>A on the coding strand, the complement: COL4A1 is on the minus strand). VCF-style: chr13-110174637-C-T. GRCh37 (hg19) VCF-style: chr13-110826984-C-T.
Other names: short protein forms S1104N.
Identifiers: ClinVar variation 2254410 (VCV002254410.4), dbSNP rs895063990, ClinGen allele CA256253819.

ClinVar aggregate classification (germline): Uncertain significance. Review status: criteria provided, multiple submitters, no conflicts (2 of 4 stars). 2 submissions from 2 submitters: Uncertain significance (2). Last evaluated 2024-09-04.

Conditions:
Inborn genetic diseases. Identifiers: MedGen C0950123, MeSH D030342.

Allele frequency attached by ClinVar (database versions not stated): gnomAD exomes below 0.00001.
gnomAD v4.1: 4 of 1,614,180 alleles (0.00025%); highest among the groups gnomAD compares: Non-Finnish European, 0.00034%; no homozygotes.

Submissions (2):

Labcorp Genetics (formerly Invitae), Labcorp
Classification: Uncertain significance. Last evaluated: 2024-09-04. Review status: criteria provided, single submitter. Criteria: Invitae Variant Classification Sherloc (09022015). Collection method: clinical testing. Allele origin: germline.
Comment: This sequence change replaces serine, which is neutral and polar, with asparagine, which is neutral and polar, at codon 1104 of the COL4A1 protein (p.Ser1104Asn). This variant is not present in population databases (gnomAD no frequency). This variant has not been reported in the literature in individuals affected with COL4A1-related conditions. ClinVar contains an entry for this variant (Variation ID: 2254410). An algorithm developed to predict the effect of missense changes on protein structure and function outputs the following: PolyPhen-2: "Benign". The asparagine amino acid residue is found in multiple mammalian species, which suggests that this missense change does not adversely affect protein function. In summary, the available evidence is currently insufficient to determine the role of this variant in disease. Therefore, it has been classified as a Variant of Uncertain Significance.

Ambry Genetics
Classification: Uncertain significance for Inborn genetic diseases. Last evaluated: 2021-11-24. Review status: criteria provided, single submitter. Criteria: Ambry Variant Classification Scheme 2023. Collection method: clinical testing. Allele origin: germline.